The following is an entry in ClinVar:

NM_004385.5(VCAN):c.4696A>G (p.Thr1566Ala)

Genes: VCAN (versican; plus strand), VCAN-AS1 (VCAN antisense RNA 1; minus strand). Cytogenetic location: 5q14.3.
Variant type: single nucleotide variant.
Coding change: c.4696A>G on transcript NM_004385.5 (MANE Select); coding-DNA position 4696, A replaced by G.
Protein change: p.Thr1566Ala; replaces threonine 1566 with alanine.
Molecular consequence: missense variant. On other transcripts: intron variant (2).
Genome position (GRCh38, 1-based): chr5:83,537,699, A>G. VCF-style: chr5-83537699-A-G. GRCh37 (hg19) VCF-style: chr5-82833518-A-G.
Other names: c.1735A>G, p.Thr579Ala (NM_001164097.2); c.4004-7838A>G (NM_001164098.2); c.1043-7838A>G (NM_001126336.3); short protein forms T1566A, T579A.
Identifiers: ClinVar variation 1477270 (VCV001477270.6), dbSNP rs1746780190, ClinGen allele CA360308812.

ClinVar aggregate classification (germline): Uncertain significance (1 of 4 stars; one submission).

Allele frequency attached by ClinVar (database versions not stated): gnomAD exomes below 0.00001; gnomAD 0.00001.
gnomAD v4.1: 2 of 1,613,864 alleles (0.00012%); highest among the groups gnomAD compares: East Asian, 0.0022%; no homozygotes.

Submission:

Labcorp Genetics (formerly Invitae), Labcorp
Classification: Uncertain significance. Last evaluated: 2021-08-31. Review status: criteria provided, single submitter. Criteria: Invitae Variant Classification Sherloc (09022015). Collection method: clinical testing. Allele origin: germline.
Comment: This variant is not present in population databases (ExAC no frequency). This variant has not been reported in the literature in individuals affected with VCAN-related conditions. Algorithms developed to predict the effect of missense changes on protein structure and function are either unavailable or do not agree on the potential impact of this missense change (SIFT: "Deleterious"; PolyPhen-2: "Benign"; Align-GVGD: "Class C55"). In summary, the available evidence is currently insufficient to determine the role of this variant in disease. Therefore, it has been classified as a Variant of Uncertain Significance. This sequence change replaces threonine with alanine at codon 1566 of the VCAN protein (p.Thr1566Ala). The threonine residue is highly conserved and there is a small physicochemical difference between threonine and alanine.